The following is an entry in ClinVar:

ClinVar aggregate classification (germline): Uncertain significance (1 of 4 stars; one submission).

Conditions:
JAG1-related disorder. Also called: JAG1-related condition; JAG1-related disorders.

gnomAD v4.1: 2 of 1,613,878 alleles (0.00012%); highest among the groups gnomAD compares: Non-Finnish European, 0.00017%; no homozygotes.

Submission:

PreventionGenetics, part of Exact Sciences
Classification: Uncertain significance for JAG1-related condition. Last evaluated: 2026-07-21. Review status: criteria provided, single submitter. Criteria: ACMG Guidelines, 2015. Collection method: clinical testing. Allele origin: germline.
Comment: The JAG1 c.887-3C>T variant is predicted to interfere with splicing. This variant is predicted to alter splicing based on available splicing prediction programs (SpliceAI, Jaganathan et al. 2019. PubMed ID: 30661751). However, the use of computer prediction programs is not equivalent to functional evidence. To our knowledge, this variant has not been reported in the literature. This variant is reported in 0.00088% of alleles in individuals of European (Non-Finnish) descent in gnomAD. At this time, the clinical significance of this variant is uncertain due to the absence of conclusive functional and genetic evidence.

NM_000214.3(JAG1):c.887-3C>T

Gene: JAG1 (jagged canonical Notch ligand 1; minus strand). Cytogenetic location: 20p12.2.
Variant type: single nucleotide variant.
Coding change: c.887-3C>T on transcript NM_000214.3 (MANE Select); 3 bases into the intron before coding-DNA position 887, C replaced by T.
Molecular consequence: intron variant.
Genome position (GRCh38, 1-based): chr20:10,652,253, G>A on the plus strand (C>T on the coding strand, the complement: JAG1 is on the minus strand). VCF-style: chr20-10652253-G-A. GRCh37 (hg19) VCF-style: chr20-10632901-G-A.
Identifiers: ClinVar variation 4994181 (VCV004994181.1).
Genomic context (GRCh38, chr20:10,652,253, plus strand): 5'-GTGTTGCTACAAGTTCCCCCGTTGAGACACGGCTGATGAGTCCCACAGTAATTGAGATCT[G>A]CCAAAAAGATCCTGGAGTCACTAAGAGACGCCTGTGAAGATGGCGAACCCACCATGTTTC-3'